The following is an entry in ClinVar:

ClinVar aggregate classification (germline): Uncertain significance (1 of 4 stars; one submission).

Conditions:
Hereditary cancer-predisposing syndrome. Also called: Neoplastic Syndromes, Hereditary; Tumor predisposition; Hereditary neoplastic syndrome; Hereditary Cancer Syndrome. Identifiers: Orphanet 140162, MedGen C0027672, MeSH D009386, MONDO:0015356.

Submission:

Ambry Genetics
Classification: Uncertain significance for Hereditary cancer-predisposing syndrome. Last evaluated: 2026-07-06. Review status: criteria provided, single submitter. Criteria: Ambry Variant Classification Scheme 2023. Collection method: clinical testing. Allele origin: germline.
Comment: The p.L58V variant (also known as c.172C>G), located in coding exon 3 of the RAD51D gene, results from a C to G substitution at nucleotide position 172. The leucine at codon 58 is replaced by valine, an amino acid with highly similar properties. This amino acid position is conserved. In addition, this alteration is predicted to be tolerated by in silico analysis. Based on the available evidence, the clinical significance of this variant remains unclear.

NM_002878.4(RAD51D):c.263+1491C>G

Genes: RAD51D (RAD51 paralog D; minus strand), RAD51L3-RFFL (RAD51L3-RFFL readthrough; minus strand). Cytogenetic location: 17q12.
Variant type: single nucleotide variant.
Coding change: c.263+1491C>G on transcript NM_002878.4 (MANE Select); 1491 bases into the intron after coding-DNA position 263, C replaced by G.
Molecular consequence: intron variant. On other transcripts: missense variant (1).
Genome position (GRCh38, 1-based): chr17:35,117,010, G>C on the plus strand (C>G on the coding strand, the complement: RAD51D is on the minus strand). VCF-style: chr17-35117010-G-C. GRCh37 (hg19) VCF-style: chr17-33444029-G-C.
Other names: c.172C>G, p.Leu58Val (NM_001142571.2); c.144+2101C>G (NM_133629.3); short protein forms L58V.
Identifiers: ClinVar variation 5027823 (VCV005027823.1).
Genomic context (GRCh38, chr17:35,117,010, plus strand): 5'-CATTCCTGACCCCACTCCACGATCTCCCTGCGGGGACCTGAGGCAGCTGCAGTCCTCCCA[G>C]GTTCCCACTTGAGTGCGCCCTCCATGTCTGTTGGATTTATAAACTCCCTAAGCCCAAGGC-3'